The following is an entry in ClinVar:

NM_005609.4(PYGM):c.1114del (p.Thr372fs)

Gene: PYGM (glycogen phosphorylase, muscle associated; minus strand). Cytogenetic location: 11q13.1.
Variant type: Deletion.
Coding change: c.1114del on transcript NM_005609.4 (MANE Select); coding-DNA position 1114, one base deleted (A; older notation c.1114delA).
Protein change: p.Thr372fs; shifts the reading frame from threonine 372.
Molecular consequence: frameshift variant.
Genome position (GRCh38, 1-based): chr11:64,754,004, T deleted on the plus strand (A on the coding strand, the reverse complement: PYGM is on the minus strand). VCF-style (leftmost placement, unchanged base first): chr11-64754003-GT-G. GRCh37 (hg19) VCF-style: chr11-64521475-GT-G.
Other names: c.850del, p.Thr284fs (NM_001164716.1); short protein forms T284fs, T372fs.
Identifiers: ClinVar variation 2094557 (VCV002094557.4), dbSNP rs2496658982, ClinGen allele CA2580084679.

ClinVar aggregate classification (germline): Pathogenic (1 of 4 stars; one submission).

Conditions:
Glycogen storage disease, type V (GSD5). Also called: McArdle type glycogen storage disease; MCARDLE DISEASE; MUSCLE GLYCOGEN PHOSPHORYLASE DEFICIENCY; MYOPHOSPHORYLASE DEFICIENCY; PYGM DEFICIENCY. Identifiers: Orphanet 368, MedGen C0017924, MONDO:0009293, OMIM 232600.

Submission:

Labcorp Genetics (formerly Invitae), Labcorp
Classification: Pathogenic for Glycogen storage disease, type V. Last evaluated: 2022-02-08. Review status: criteria provided, single submitter. Criteria: Invitae Variant Classification Sherloc (09022015). Collection method: clinical testing. Allele origin: germline.
Comment: For these reasons, this variant has been classified as Pathogenic. This variant has not been reported in the literature in individuals affected with PYGM-related conditions. This variant is not present in population databases (gnomAD no frequency). This sequence change creates a premature translational stop signal (p.Thr372Profs*52) in the PYGM gene. It is expected to result in an absent or disrupted protein product. Loss-of-function variants in PYGM are known to be pathogenic (PMID: 8316268, 16786513).

Literature cited by the submitters: PubMed 8316268; PubMed 16786513.